The following is an entry in ClinVar:

NM_000969.5(RPL5):c.435T>C (p.Tyr145=)

Genes: DIPK1A (divergent protein kinase domain 1A; minus strand), RPL5 (ribosomal protein L5; plus strand). Cytogenetic location: 1p22.1.
Variant type: single nucleotide variant.
Coding change: c.435T>C on transcript NM_000969.5 (MANE Select); coding-DNA position 435, T replaced by C.
Protein change: p.Tyr145=; no amino-acid change (tyrosine 145 retained).
Molecular consequence: synonymous variant. On other transcripts: non-coding transcript variant (1), intron variant (1).
Genome position (GRCh38, 1-based): chr1:92,836,300, T>C. VCF-style: chr1-92836300-T-C. GRCh37 (hg19) VCF-style: chr1-93301857-T-C.
Other names: c.475-3266A>G (NM_001252273.2).
Identifiers: ClinVar variation 1336953 (VCV001336953.13), dbSNP rs188046229, ClinGen allele CA952468.
Genomic context (GRCh38, chr1:92,836,300, plus strand): 5'-GACTGGTGATGAATACAATGTGGAAAGCATTGATGGTCAGCCAGGTGCCTTCACCTGCTA[T>C]TTGGATGCAGGCCTTGCCAGAACTACCACTGGCAATAAAGTTTTTGGTGCCCTGAAGGGA-3'
Protein context (NP_000960.2, residues 135-155): IDGQPGAFTC[Tyr145=]LDAGLARTTT

ClinVar aggregate classification (germline): Likely benign. Review status: criteria provided, multiple submitters, no conflicts (2 of 4 stars). 5 submissions from 5 submitters: Likely benign (4). 1 of the submissions does not count toward it. Last evaluated 2025-05-21.

Conditions:
RPL5-related disorder. Also called: RPL5-related condition.
Diamond-Blackfan anemia. Also called: Blackfan Diamond syndrome; Aregenerative anemia chronic congenital; Red cell aplasia, pure hereditary; Congenital hypoplastic anemia; Aase syndrome. Identifiers: Orphanet 124, MedGen C1260899, MeSH D029503, MONDO:0015253, HP:0004810.
Diamond-Blackfan anemia 6 (DBA6). Also called: RPL5-Related Diamond-Blackfan Anemia. Identifiers: Orphanet 124, MedGen C2931850, MONDO:0012937, OMIM 612561.

Allele frequency attached by ClinVar (database versions not stated): gnomAD exomes 0.00001 and 0.00005; ExAC 0.00004; TOPMed 0.00002; gnomAD 0.00001 and 0.00002; 1000 Genomes Project 0.00020; 1000 Genomes Project 30x 0.00031.
gnomAD v4.1: 24 of 1,614,154 alleles (0.0015%); highest among the groups gnomAD compares: East Asian, 0.049%; no homozygotes.

Submissions (5):

Labcorp Genetics (formerly Invitae), Labcorp
Classification: Likely benign for Diamond-Blackfan anemia. Last evaluated: 2025-05-21. Review status: criteria provided, single submitter. Criteria: Invitae Variant Classification Sherloc (09022015). Collection method: clinical testing. Allele origin: germline.

Blueprint Genetics
Classification: Likely benign. Last evaluated: 2024-08-29. Review status: criteria provided, single submitter. Criteria: ACMG Guidelines, 2015. Collection method: clinical testing. Allele origin: germline.

Fulgent Genetics
Classification: Likely benign for Diamond-Blackfan anemia 6. Last evaluated: 2021-11-12. Review status: criteria provided, single submitter. Criteria: ACMG Guidelines, 2015. Collection method: clinical testing. Allele origin: unknown.

Genetic Services Laboratory, University of Chicago
Classification: Likely benign. Last evaluated: 2018-12-17. Review status: criteria provided, single submitter. Criteria: ACMG Guidelines, 2015. Collection method: clinical testing. Allele origin: germline. Affected: no.

PreventionGenetics, part of Exact Sciences
Classification: Likely benign for RPL5-related condition. Last evaluated: 2019-04-12. Review status: no assertion criteria provided. Collection method: clinical testing. Allele origin: germline. Not counted in ClinVar's aggregate classification.
Comment: This variant is classified as likely benign based on ACMG/AMP sequence variant interpretation guidelines (Richards et al. 2015 PMID: 25741868, with internal and published modifications).